The following is an entry in ClinVar:

NM_001754.5(RUNX1):c.1384T>A (p.Ser462Thr)

Gene: RUNX1 (RUNX family transcription factor 1; minus strand). Cytogenetic location: 21q22.12.
Variant type: single nucleotide variant.
Coding change: c.1384T>A on transcript NM_001754.5 (MANE Select); coding-DNA position 1384, T replaced by A.
Protein change: p.Ser462Thr; replaces serine 462 with threonine.
Molecular consequence: missense variant.
Genome position (GRCh38, 1-based): chr21:34,792,194, A>T on the plus strand (T>A on the coding strand, the complement: RUNX1 is on the minus strand). VCF-style: chr21-34792194-A-T. GRCh37 (hg19) VCF-style: chr21-36164491-A-T.
Other names: c.1303T>A, p.Ser435Thr (NM_001001890.3); short protein forms S435T, S462T.
Identifiers: ClinVar variation 4863659 (VCV004863659.1).
Genomic context (GRCh38, chr21:34,792,194, plus strand): 5'-CTCAGTAGGGCCTCCACACGGCCTCCTCCAGGCGCGCGGAGGGCGCCATGTTGGTGGGGG[A>T]GTTGCTGTGGCTGCCCTCGGCCTCCACCACGTCGCTCTGGTTCGGGAGGCTGGGGTTGAG-3'
Protein context (NP_001745.2, residues 452-472): VVEAEGSHSN[Ser462Thr]PTNMAPSARL

ClinVar aggregate classification (germline): Uncertain significance (1 of 4 stars; one submission).

Conditions:
Inborn genetic diseases. Identifiers: MedGen C0950123, MeSH D030342.

Submission:

Ambry Genetics
Classification: Uncertain significance for Inborn genetic diseases. Last evaluated: 2026-05-21. Review status: criteria provided, single submitter. Criteria: Ambry Variant Classification Scheme 2023. Collection method: clinical testing. Allele origin: germline.
Comment: The p.S462T variant (also known as c.1384T>A), located in coding exon 8 of the RUNX1 gene, results from a T to A substitution at nucleotide position 1384. The serine at codon 462 is replaced by threonine, an amino acid with similar properties. This amino acid position is conserved. In addition, this alteration is predicted to be tolerated by in silico analysis. Based on the available evidence, the clinical significance of this variant remains unclear.